The following is an entry in ClinVar:

NM_152419.3(HGSNAT):c.1342_1377+1dup

Gene: HGSNAT (heparan-alpha-glucosaminide N-acetyltransferase; plus strand). Cytogenetic location: 8p11.21.
Variant type: Duplication.
Coding change: c.1342_1377+1dup on transcript NM_152419.3 (MANE Select); coding-DNA position 1342 through the canonical splice donor site of the intron after coding-DNA position 1377, 37 bases duplicated.
Molecular consequence: splice donor variant.
Genome position (GRCh38, 1-based): chr8:43,192,395-43,192,431, 37 bases duplicated; duplicating any 37 consecutive bases within chr8:43,192,389-43,192,431 gives the same sequence; the c. name uses the placement nearest the transcript's 3' end. GRCh37 (hg19): chr8:43,047,538-43,047,574.
Other names: c.1342_1377+1dup (NM_001363227.2); c.478_513+1dup (NM_001363229.2); c.1150_1185+1dup (NM_001363228.2).
Identifiers: ClinVar variation 4816861 (VCV004816861.1).

ClinVar aggregate classification (germline): Likely pathogenic (1 of 4 stars; one submission).

Conditions:
Mucopolysaccharidosis, MPS-III-C (MPS3C). Also called: MPS IIIC (Sanfilippo Syndrome Type C); SANFILIPPO SYNDROME C; MPS III C; Mucopolysaccharidosis type IIIC (Sanfilippo C); MUCOPOLYSACCHARIDOSIS, TYPE IIIC; mucopolysaccharidosis type 3C. Identifiers: Orphanet 581, Orphanet 79271, MedGen C0086649, MONDO:0009657, OMIM 252930.

Submission:

Natera, Inc.
Classification: Likely pathogenic for Mucopolysaccharidosis type IIIC. Last evaluated: 2025-07-19. Review status: criteria provided, single submitter. Criteria: Natera Variant Classification Schema (03/2026). Collection method: clinical testing. Allele origin: germline.
Comment: The c.1342_1377+1dup variant in HGSNAT is a canonical splice donor site variant predicted to affect pre-mRNA splicing, which may result in an abnormal transcript and altered protein product. This variant is expected to result in nonsense mediated decay, truncation, or a dysfunctional protein product. This variant is rare in the general population with a frequency below the threshold expected for the associated phenotype(s). Given the available evidence, this variant is classified as Likely Pathogenic.